The following is an entry in ClinVar:

NM_001145715.3(KPNA7):c.1507C>T (p.Gln503Ter)

Gene: KPNA7 (karyopherin subunit alpha 7; minus strand). Cytogenetic location: 7q22.1.
Variant type: single nucleotide variant.
Coding change: c.1507C>T on transcript NM_001145715.3 (MANE Select); coding-DNA position 1507, C replaced by T.
Protein change: p.Gln503Ter; replaces glutamine 503 with a stop codon.
Molecular consequence: nonsense.
Genome position (GRCh38, 1-based): chr7:99,173,752, G>A on the plus strand (C>T on the coding strand, the complement: KPNA7 is on the minus strand). VCF-style: chr7-99173752-G-A. GRCh37 (hg19) VCF-style: chr7-98771375-G-A.
Other names: short protein forms Q503*.
Identifiers: ClinVar variation 1001611 (VCV001001611.4), dbSNP rs774947420, ClinGen allele CA368416876.

ClinVar aggregate classification (germline): Uncertain significance (1 of 4 stars; one submission).

Submission:

Labcorp Genetics (formerly Invitae), Labcorp
Classification: Uncertain significance. Last evaluated: 2021-04-16. Review status: criteria provided, single submitter. Criteria: Invitae Variant Classification Sherloc (09022015). Collection method: clinical testing. Allele origin: germline.
Comment: This sequence change results in a premature translational stop signal in the KPNA7 gene (p.Gln503*). While this is not anticipated to result in nonsense mediated decay, it is expected to disrupt the last 14 amino acids of the KPNA7 protein. This variant is not present in population databases (ExAC no frequency). This variant has not been reported in the literature in individuals with KPNA7-related conditions. Experimental studies and prediction algorithms are not available or were not evaluated, and the functional significance of this variant is currently unknown. In summary, the available evidence is currently insufficient to determine the role of this variant in disease. Therefore, it has been classified as a Variant of Uncertain Significance.